The following is an entry in ClinVar:

ClinVar aggregate classification (germline): Benign/Likely benign. Review status: criteria provided, multiple submitters, no conflicts (2 of 4 stars). 8 submissions from 8 submitters: Benign (4); Likely benign (2). 2 of the submissions do not count toward it. Last evaluated 2026-02-01.

Conditions:
Kufor-Rakeb syndrome (KRS). Also called: PARKINSON DISEASE 9, AUTOSOMAL RECESSIVE, JUVENILE-ONSET. Identifiers: Orphanet 306674, Orphanet 314632, MedGen C1847640, MONDO:0011706, OMIM 606693.
Autosomal recessive spastic paraplegia type 78. Identifiers: Orphanet 513436, MedGen C5567893, MONDO:0014975, OMIM 617225.
Inborn genetic diseases. Identifiers: MedGen C0950123, MeSH D030342.

Allele frequency attached by ClinVar (database versions not stated): gnomAD exomes 0.00065 and 0.00127; ExAC 0.00206; ESP Exome Variant Server 0.00588; gnomAD 0.00606 and 0.00646; TOPMed 0.00652; 1000 Genomes Project 30x 0.00812; 1000 Genomes Project 0.00819.
gnomAD v4.1: 1,883 of 1,580,112 alleles (0.12%); highest among the groups gnomAD compares: African/African-American, 2.3%; 17 homozygotes.

Submissions (8):

Labcorp Genetics (formerly Invitae), Labcorp
Classification: Benign for Kufor-Rakeb syndrome; Autosomal recessive spastic paraplegia type 78. Last evaluated: 2026-02-01. Review status: criteria provided, single submitter. Criteria: Invitae Variant Classification Sherloc (09022015). Collection method: clinical testing. Allele origin: germline.

GeneDx
Classification: Likely benign. Last evaluated: 2024-03-19. Review status: criteria provided, single submitter. Criteria: GeneDx Variant Classification Process June 2021. Collection method: clinical testing. Allele origin: germline. Affected: yes.
Comment: See Variant Classification Assertion Criteria.

Athena Diagnostics
Classification: Benign. Last evaluated: 2018-11-21. Review status: criteria provided, single submitter. Criteria: Athena Diagnostics Criteria. Collection method: clinical testing. Allele origin: germline.

Ambry Genetics
Classification: Benign for Inborn genetic diseases. Last evaluated: 2016-04-15. Review status: criteria provided, single submitter. Criteria: Ambry Variant Classification Scheme 2023. Collection method: clinical testing. Allele origin: germline.

Eurofins Ntd Llc (ga)
Classification: Benign. Last evaluated: 2015-06-03. Review status: criteria provided, single submitter. Criteria: EGL Classification Definitions 2015. Collection method: clinical testing. Allele origin: germline. Observed: 1 variant allele, 1 heterozygote.

Breakthrough Genomics
Classification: Likely benign. Review status: criteria provided, single submitter. Criteria: ACMG Guidelines, 2015. Collection method: not provided. Allele origin: germline. Inheritance: Autosomal recessive inheritance. Affected: yes.

Mayo Clinic Laboratories, Mayo Clinic
Classification: Likely benign. Last evaluated: 2017-08-30. Review status: no assertion criteria provided. Collection method: clinical testing. Allele origin: unknown. Not counted in ClinVar's aggregate classification.

Genetic Services Laboratory, University of Chicago
Classification: Likely benign for AllHighlyPenetrant. Review status: no assertion criteria provided. Collection method: clinical testing. Allele origin: germline. Inheritance: Autosomal recessive inheritance. Not counted in ClinVar's aggregate classification.
Comment: Likely benign based on allele frequency in 1000 Genomes Project or ESP global frequency and its presence in a patient with a rare or unrelated disease phenotype. NOT Sanger confirmed.

Literature cited by the submitters: PubMed 25374329 (cited by Athena Diagnostics).

NM_022089.4(ATP13A2):c.3430G>A (p.Ala1144Thr)

Gene: ATP13A2 (ATPase cation transporting 13A2; minus strand). Cytogenetic location: 1p36.13.
Variant type: single nucleotide variant.
Coding change: c.3430G>A on transcript NM_022089.4 (MANE Select); coding-DNA position 3430, G replaced by A.
Protein change: p.Ala1144Thr; replaces alanine 1144 with threonine.
Molecular consequence: missense variant.
Genome position (GRCh38, 1-based): chr1:16,986,334, C>T on the plus strand (G>A on the coding strand, the complement: ATP13A2 is on the minus strand). VCF-style: chr1-16986334-C-T. GRCh37 (hg19) VCF-style: chr1-17312829-C-T.
Other names: c.3415G>A, p.Ala1139Thr (NM_001141973.3); c.3128G>A, p.Arg1043His (NM_001141974.3); short protein forms A1144T, A1139T, R1043H.
Identifiers: ClinVar variation 128474 (VCV000128474.65), dbSNP rs151181674, ClinGen allele CA151961.